The following is an entry in ClinVar:

NM_000465.4(BARD1):c.1856A>C (p.Lys619Thr)

Gene: BARD1 (BRCA1 associated RING domain 1; minus strand). Cytogenetic location: 2q35.
Variant type: single nucleotide variant.
Coding change: c.1856A>C on transcript NM_000465.4 (MANE Select); coding-DNA position 1856, A replaced by C.
Protein change: p.Lys619Thr; replaces lysine 619 with threonine.
Molecular consequence: missense variant. On other transcripts: non-coding transcript variant (3), intron variant (1).
Genome position (GRCh38, 1-based): chr2:214,745,114, T>G on the plus strand (A>C on the coding strand, the complement: BARD1 is on the minus strand). VCF-style: chr2-214745114-T-G. GRCh37 (hg19) VCF-style: chr2-215609838-T-G.
Other names: c.1799A>C, p.Lys600Thr (NM_001282543.2); c.503A>C, p.Lys168Thr (NM_001282545.2); c.446A>C, p.Lys149Thr (NM_001282548.2); c.365-14606A>C (NM_001282549.2); short protein forms K168T, K149T, K600T, K619T.
Identifiers: ClinVar variation 820163 (VCV000820163.7), dbSNP rs1574737320, ClinGen allele CA350452184.

ClinVar aggregate classification (germline): Uncertain significance. Review status: criteria provided, multiple submitters, no conflicts (2 of 4 stars). 3 submissions from 3 submitters: Uncertain significance (3). Last evaluated 2025-11-21.

Conditions:
Hereditary cancer-predisposing syndrome. Also called: Neoplastic Syndromes, Hereditary; Tumor predisposition; Hereditary Cancer Syndrome; Hereditary neoplastic syndrome. Identifiers: Orphanet 140162, MedGen C0027672, MeSH D009386, MONDO:0015356.
Familial cancer of breast. Also called: BREAST CANCER, FAMILIAL; Hereditary breast cancer; hereditary breast carcinoma. Identifiers: Orphanet 227535, MedGen C0346153, MONDO:0016419, OMIM 114480. Disease mechanism: loss of function.

Submissions (3):

Labcorp Genetics (formerly Invitae), Labcorp
Classification: Uncertain significance for Familial cancer of breast. Last evaluated: 2025-11-21. Review status: criteria provided, single submitter. Criteria: Invitae Variant Classification Sherloc (09022015). Collection method: clinical testing. Allele origin: germline.
Comment: This sequence change replaces lysine, which is basic and polar, with threonine, which is neutral and polar, at codon 619 of the BARD1 protein (p.Lys619Thr). This variant is not present in population databases (gnomAD no frequency). This variant has not been reported in the literature in individuals affected with BARD1-related conditions. ClinVar contains an entry for this variant (Variation ID: 820163). An algorithm developed to predict the effect of missense changes on protein structure and function (PolyPhen-2) suggests that this variant is likely to be disruptive. In summary, the available evidence is currently insufficient to determine the role of this variant in disease. Therefore, it has been classified as a Variant of Uncertain Significance.

Color Diagnostics, LLC DBA Color Health
Classification: Uncertain significance for Hereditary cancer-predisposing syndrome. Last evaluated: 2024-03-06. Review status: criteria provided, single submitter. Criteria: ACMG Guidelines, 2015. Collection method: clinical testing. Allele origin: germline.
Comment: This missense variant replaces lysine with threonine at codon 619 of the BARD1 protein. Computational prediction suggests that this variant may have deleterious impact on protein structure and function (internally defined REVEL score threshold >= 0.7, PMID: 27666373). To our knowledge, functional studies have not been reported for this variant. This variant has not been reported in individuals affected with hereditary cancer in the literature. This variant has not been identified in the general population by the Genome Aggregation Database (gnomAD). The available evidence is insufficient to determine the role of this variant in disease conclusively. Therefore, this variant is classified as a Variant of Uncertain Significance.

Ambry Genetics
Classification: Uncertain significance for Hereditary cancer-predisposing syndrome. Last evaluated: 2018-09-12. Review status: criteria provided, single submitter. Criteria: Ambry Variant Classification Scheme 2023. Collection method: clinical testing. Allele origin: germline.
Comment: The p.K619T variant (also known as c.1856A>C), located in coding exon 9 of the BARD1 gene, results from an A to C substitution at nucleotide position 1856. The lysine at codon 619 is replaced by threonine, an amino acid with similar properties. This amino acid position is highly conserved in available vertebrate species. In addition, the in silico prediction for this alteration is inconclusive. Since supporting evidence is limited at this time, the clinical significance of this alteration remains unclear.